The following is an entry in ClinVar:

ClinVar aggregate classification (germline): Likely pathogenic (1 of 4 stars; one submission).

Conditions:
Dystonia 28, childhood-onset (DYT28). Also called: KMT2B-Related Dystonia (DYT-KMT2B). Identifiers: Orphanet 589618, MedGen C4310633, MONDO:0015004, OMIM 617284.

Submission:

3billion
Classification: Likely pathogenic for Dystonia 28, childhood-onset. Last evaluated: 2025-07-10. Review status: criteria provided, single submitter. Criteria: ACMG Guidelines, 2015. Collection method: clinical testing. Allele origin: germline. Affected: yes.
Comment: The variant is not observed in the gnomAD v4.1.0 dataset. Predicted Consequence/Location: Frameshift: predicted to result in a loss or disruption of normal protein function through nonsense-mediated decay (NMD) or protein truncation. Multiple pathogenic variants are reported downstream of the variant. Therefore, this variant is classified as Likely pathogenic according to the recommendation of ACMG/AMP guideline.

NM_014727.3(KMT2B):c.1545del (p.Ser517fs)

Gene: KMT2B (lysine methyltransferase 2B; plus strand). Cytogenetic location: 19q13.12.
Variant type: Deletion.
Coding change: c.1545del on transcript NM_014727.3 (MANE Select); coding-DNA position 1545, one base deleted (C; older notation c.1545delC).
Protein change: p.Ser517fs; shifts the reading frame from serine 517.
Molecular consequence: frameshift variant.
Genome position (GRCh38, 1-based): chr19:35,720,892, C deleted; the last of 5 consecutive C bases (chr19:35,720,888-35,720,892); deleting any one gives the same sequence. VCF-style (leftmost placement, unchanged base first): chr19-35720887-GC-G. GRCh37 (hg19) VCF-style: chr19-36211789-GC-G.
Other names: short protein forms S517fs.
Identifiers: ClinVar variation 4855697 (VCV004855697.1).
Genomic context (GRCh38, chr19:35,720,887, plus strand): 5'-CCTCCCACTCCAACCCCCAGCACCGCCACGGGAGGCCCTCCGGAAGACAGTCCCACCGTG[GC>G]CCCCAAAAGCACCACCTTCCTGAAGAATATCCGGCAGTTTATTATGCCTGTGGTGAGTGC-3'